The following is an entry in ClinVar:

NM_003482.4(KMT2D):c.13032dup (p.Lys4345fs)

Gene: KMT2D (lysine methyltransferase 2D; minus strand). Cytogenetic location: 12q13.12.
Variant type: Duplication.
Coding change: c.13032dup on transcript NM_003482.4 (MANE Select); coding-DNA position 13032, one base duplicated (C; older notation c.13032dupC).
Protein change: p.Lys4345fs; shifts the reading frame from lysine 4345.
Molecular consequence: frameshift variant.
Genome position (GRCh38, 1-based): chr12:49,031,673, G duplicated on the plus strand (C on the coding strand, the reverse complement: KMT2D is on the minus strand); the first of 5 consecutive G bases (chr12:49,031,673-49,031,677); duplicating any one gives the same sequence. VCF-style (leftmost placement, unchanged base first): chr12-49031672-T-TG. GRCh37 (hg19) VCF-style: chr12-49425455-T-TG.
Other names: short protein forms K4345fs.
Identifiers: ClinVar variation 4886486 (VCV004886486.2).

ClinVar aggregate classification (germline): Likely pathogenic (1 of 4 stars; one submission).

Submission:

Dasa
Classification: Likely pathogenic. Last evaluated: 2025-03-17. Review status: criteria provided, single submitter. Criteria: DASA Assertion Criteria. Collection method: clinical testing. Allele origin: germline.
Comment: NM_003482.4(KMT2D):c.13032dup (p.Lys4345Glnfs*27) is a frameshift variant in KMT2D predicted to alter the reading frame and introduce a premature termination codon and is predicted to result in an absent or altered protein product. Loss of function is an established disease mechanism for KMT2D (PMID: 20711175; PMID: 21671394; PMID: 21607748). Also, this variant is absent from population databases. Based on the currently available evidence, this variant is classified as likely pathogenic.

Literature cited by the submitters: PubMed 20711175; PubMed 21671394; PubMed 21607748.